The following is an entry in ClinVar:

ClinVar aggregate classification (germline): Uncertain significance (1 of 4 stars; one submission).

Conditions:
Intellectual disability, autosomal dominant 16 (CSS4). Also called: COFFIN-SIRIS SYNDROME 4. Identifiers: Orphanet 1465, MedGen C3553249, MONDO:0013821, OMIM 614609.

Submission:

3billion
Classification: Uncertain significance for Intellectual disability, autosomal dominant 16. Last evaluated: 2025-02-18. Review status: criteria provided, single submitter. Criteria: ACMG Guidelines, 2015. Collection method: clinical testing. Allele origin: germline. Affected: yes.
Comment: The variant is not observed in the gnomAD v4.1.0 dataset. Predicted Consequence/Location: Inframe deletion located in a nonrepeat region: predicted to change the length of the protein and disrupt normal protein function. Therefore, this variant is classified as VUS according to the recommendation of ACMG/AMP guideline.

NM_003072.5(SMARCA4):c.4856_4864del (p.Gly1619_Arg1621del)

Gene: SMARCA4 (SWI/SNF related BAF chromatin remodeling complex subunit ATPase 4; plus strand). Cytogenetic location: 19p13.2.
Variant type: Deletion.
Coding change: c.4856_4864del on transcript NM_003072.5 (MANE Select); coding-DNA positions 4856 to 4864, 9 bases deleted (GGTCCCGAG; older notation c.4856_4864delGGTCCCGAG).
Protein change: p.Gly1619_Arg1621del.
Molecular consequence: inframe deletion. On other transcripts: non-coding transcript variant (1).
Genome position (GRCh38, 1-based): chr19:11,060,132-11,060,140, GGTCCCGAG deleted; deleting any 9 consecutive bases within chr19:11,060,127-11,060,140 gives the same sequence; the c. name uses the placement nearest the transcript's 3' end. VCF-style (leftmost placement, unchanged base first): chr19-11060126-GCCGAGGGTC-G. GRCh37 (hg19) VCF-style: chr19-11170802-GCCGAGGGTC-G.
Other names: c.4856_4864del, p.Gly1619_Arg1621del (NM_001128844.3); c.4766_4774del, p.Gly1589_Arg1591del (NM_001128845.2); c.4763_4771del, p.Gly1588_Arg1590del (NM_001128846.2); c.4757_4765del, p.Gly1586_Arg1588del (NM_001128847.4, NM_001374457.1); c.4754_4762del, p.Gly1585_Arg1587del (NM_001128848.2); c.4952_4960del, p.Gly1651_Arg1653del (NM_001128849.3, NM_001387283.1); c.4853_4861del, p.Gly1618_Arg1620del (NM_001411150.1).
Identifiers: ClinVar variation 4293683 (VCV004293683.1).
Genomic context (GRCh38, chr19:11,060,126, plus strand): 5'-TCAAGCTTGGCCGGAAGGAGAAGGCACAGGACCGGCTGAAGGGCGGCCGGCGGCGGCCGA[GCCGAGGGTC>G]CCGAGCCAAGCCGGTCGTGAGTGACGATGACAGTGAGGAGGAACAAGAGGAGGTGAGGCC-3'